The following is an entry in ClinVar:

NM_000540.3(RYR1):c.4074G>A (p.Gly1358=)

Gene: RYR1 (ryanodine receptor 1; plus strand). Cytogenetic location: 19q13.2.
Variant type: single nucleotide variant.
Coding change: c.4074G>A on transcript NM_000540.3 (MANE Select); coding-DNA position 4074, G replaced by A.
Protein change: p.Gly1358=; no amino-acid change (glycine 1358 retained).
Molecular consequence: synonymous variant.
Genome position (GRCh38, 1-based): chr19:38,473,685, G>A. VCF-style: chr19-38473685-G-A. GRCh37 (hg19) VCF-style: chr19-38964325-G-A.
Other names: c.4074G>A, p.Gly1358= (NM_001042723.2).
Identifiers: ClinVar variation 329016 (VCV000329016.18), dbSNP rs372178862, ClinGen allele CA065516.
Genomic context (GRCh38, chr19:38,473,685, plus strand): 5'-TGGGGGCTGGAGCGAGGCAGAGAACGGCAAAGAAGGGACTGCGAAGGAGGGCGCCCCCGG[G>A]GGCACCCCGCAGGCGGGGGGAGAGGCGCAGCCCGCCAGGGCGGAGAATGAGAAGGATGCC-3'
Protein context (NP_000531.2, residues 1348-1368): KEGTAKEGAP[Gly1358=]GTPQAGGEAQ

ClinVar aggregate classification (germline): Likely benign. Review status: criteria provided, multiple submitters, no conflicts (2 of 4 stars). 6 submissions from 6 submitters: Likely benign (6). Last evaluated 2025-11-18.

Conditions:
RYR1-related disorder. Also called: RYR1-related disorders; RYR1-related condition. Identifiers: MedGen CN239331.
Malignant hyperthermia, susceptibility to, 1 (MHS1). Also called: Anesthesia related hyperthermia; Malignant hyperpyrexia; Fulminating hyperpyrexia; Pharmacogenic myopathy; RYR1-Related Malignant Hyperthermia Susceptibility; Malignant hyperthermia suceptibility 1. Identifiers: Orphanet 423, MedGen C2930980, MONDO:0007783, OMIM 145600.

Allele frequency attached by ClinVar (database versions not stated): gnomAD exomes 0.00003 and 0.00009; ExAC 0.00008; 1000 Genomes Project 0.00020; 1000 Genomes Project 30x 0.00031; gnomAD 0.00044 and 0.00049; TOPMed 0.00048.
gnomAD v4.1: 119 of 1,550,574 alleles (0.0077%); highest among the groups gnomAD compares: African/African-American, 0.14%; 2 homozygotes.

Submissions (6):

Labcorp Genetics (formerly Invitae), Labcorp
Classification: Likely benign for RYR1-related disorder. Last evaluated: 2025-11-18. Review status: criteria provided, single submitter. Criteria: Invitae Variant Classification Sherloc (09022015). Collection method: clinical testing. Allele origin: germline.

All of Us Research Program, National Institutes of Health
Classification: Likely benign for Malignant hyperthermia, susceptibility to, 1. Last evaluated: 2024-02-05. Review status: criteria provided, single submitter. Criteria: ACMG Guidelines, 2015. Collection method: clinical testing. Allele origin: germline. Inheritance: Autosomal dominant inheritance. Observed: 27 variant alleles, 27 heterozygotes.
Comment: This study involves interpretation of variants in research participants for the purpose of population health screening. Participant phenotype was not available at the time of variant classification. Additional details can be found in publication PMID: 35346344, PMCID: PMC8962531

Color Diagnostics, LLC DBA Color Health
Classification: Likely benign for Malignant hyperthermia, susceptibility to, 1. Last evaluated: 2022-11-06. Review status: criteria provided, single submitter. Criteria: ACMG Guidelines, 2015. Collection method: clinical testing. Allele origin: germline.

Blueprint Genetics
Classification: Likely benign. Last evaluated: 2021-02-26. Review status: criteria provided, single submitter. Criteria: ACMG Guidelines, 2015. Collection method: clinical testing. Allele origin: germline.

GeneDx
Classification: Likely benign. Last evaluated: 2017-08-23. Review status: criteria provided, single submitter. Criteria: GeneDx Variant Classification (06012015). Collection method: clinical testing. Allele origin: germline. Affected: yes.
Comment: This variant is considered likely benign or benign based on one or more of the following criteria: it is a conservative change, it occurs at a poorly conserved position in the protein, it is predicted to be benign by multiple in silico algorithms, and/or has population frequency not consistent with disease.

PreventionGenetics, part of Exact Sciences
Classification: Likely benign. Last evaluated: 2016-09-27. Review status: criteria provided, single submitter. Criteria: ACMG Guidelines, 2015. Collection method: clinical testing. Allele origin: germline.